The following is an entry in ClinVar:

NM_007294.4(BRCA1):c.2830del (p.Cys944fs)

Gene: BRCA1 (BRCA1 DNA repair associated; minus strand). Cytogenetic location: 17q21.31.
Variant type: Deletion.
Coding change: c.2830del on transcript NM_007294.4 (MANE Select); coding-DNA position 2830, one base deleted (T; older notation c.2830delT).
Protein change: p.Cys944fs; shifts the reading frame from cysteine 944.
Molecular consequence: frameshift variant. On other transcripts: intron variant (137).
Genome position (GRCh38, 1-based): chr17:43,092,701, A deleted on the plus strand (T on the coding strand, the reverse complement: BRCA1 is on the minus strand). VCF-style (leftmost placement, unchanged base first): chr17-43092700-CA-C. GRCh37 (hg19) VCF-style: chr17-41244717-CA-C.
Other names: c.671-1669del (NM_001408423.1, NM_001408420.1, NM_001408419.1 and 2 more transcripts); c.788-1669del (NM_001408404.1, NM_001408472.1, NM_001407990.1 and 17 more transcripts); c.788-562del (NM_001407969.1, NM_001407968.1); c.578-1669del (NM_001408492.1, NM_001408513.1, NM_001408489.1 and 9 more transcripts); c.644-1669del (NM_001408468.1, NM_001408465.1, NM_001408463.1 and 3 more transcripts); c.524-1669del (NM_001408501.1, NM_001408500.1, NM_001408497.1 and 3 more transcripts); c.647-1669del (NM_001408455.1, NM_001408466.1, NM_001408452.1 and 11 more transcripts); c.521-1669del (NM_001408503.1, NM_001408505.1, NM_001408504.1); and 41 more; short protein forms C944fs, C897fs, C648fs, C856fs, C917fs, C833fs, C874fs, C943fs.
Identifiers: ClinVar variation 54690 (VCV000054690.4), dbSNP rs397509014, ClinGen allele CA001847.
Genomic context (GRCh38, chr17:43,092,700, plus strand): 5'-CCAGTTTCGTTGCCTCTGAACTGAGATGATAGACAAAACCTAGAGCCTCCTTTGATACTA[CA>C]TTTGGCATTATCAACTGGCTTATCTTTCTGACCAACCACAGGAAAGCCTGCAGTGATATT-3'

ClinVar aggregate classification (germline): Pathogenic. Review status: reviewed by expert panel (3 of 4 stars). 2 submissions from 2 submitters: Pathogenic (1). 1 of the submissions does not count toward it. Last evaluated 2017-12-15.

Conditions:
Breast-ovarian cancer, familial, susceptibility to, 1 (BROVCA1). Also called: OVARIAN CANCER, SUSCEPTIBILITY TO; BRCA1 Hereditary Breast and Ovarian Cancer. Identifiers: Orphanet 145, MedGen C2676676, MONDO:0011450, OMIM 604370. Disease mechanism: loss of function.

Submissions (2):

Evidence-based Network for the Interpretation of Germline Mutant Alleles (ENIGMA)
Classification: Pathogenic for Breast-ovarian cancer, familial, susceptibility to, 1. Last evaluated: 2017-12-15. Review status: reviewed by expert panel. Criteria: ENIGMA BRCA1/2 Classification Criteria (2017-06-29). Collection method: curation. Allele origin: germline. Study: ENIGMA.
Comment: Variant allele predicted to encode a truncated non-functional protein.

GeneDx
Classification: Pathogenic. Last evaluated: 2015-03-09. Review status: criteria provided, single submitter. Criteria: GeneDx Variant Classification (06012015). Collection method: clinical testing. Allele origin: germline. Affected: yes. Not counted in ClinVar's aggregate classification.
Comment: The c.2830delT deletion causes a frameshift, which changes a Cysteine to a Valine at codon 944 in exon 10,and creates a premature stop codon at position 56 of the new reading frame. This variant is predicted to cause lossof normal protein function through either protein truncation or nonsense-mediated mRNA decay. BRCA1 c.2830delThas been reported in at least one breast/ovarian patient of Korean descent (Kim 2012). We consider this variant tobe pathogenic.